The following is an entry in ClinVar:

ClinVar aggregate classification (germline): Likely benign. Review status: criteria provided, multiple submitters, no conflicts (2 of 4 stars). 3 submissions from 3 submitters: Likely benign (2). 1 of the submissions does not count toward it. Last evaluated 2024-11-22.

Conditions:
Fraser syndrome 3. Identifiers: MedGen C4540040, MONDO:0054739, OMIM 617667.
GRIP1-related disorder. Also called: GRIP1-related condition.

Allele frequency attached by ClinVar (database versions not stated): ExAC 0.00003; gnomAD exomes 0.00003 and 0.00008; gnomAD 0.00006; TOPMed 0.00006.
gnomAD v4.1: 122 of 1,582,960 alleles (0.0077%); highest among the groups gnomAD compares: Non-Finnish European, 0.01%; no homozygotes.

Submissions (3):

Labcorp Genetics (formerly Invitae), Labcorp
Classification: Likely benign. Last evaluated: 2024-11-22. Review status: criteria provided, single submitter. Criteria: Invitae Variant Classification Sherloc (09022015). Collection method: clinical testing. Allele origin: germline.

Fulgent Genetics
Classification: Likely benign for Fraser syndrome 3. Last evaluated: 2022-02-03. Review status: criteria provided, single submitter. Criteria: ACMG Guidelines, 2015. Collection method: clinical testing. Allele origin: unknown.

PreventionGenetics, part of Exact Sciences
Classification: Likely benign for GRIP1-related condition. Last evaluated: 2023-03-20. Review status: no assertion criteria provided. Collection method: clinical testing. Allele origin: germline. Not counted in ClinVar's aggregate classification.
Comment: This variant is classified as likely benign based on ACMG/AMP sequence variant interpretation guidelines (Richards et al. 2015 PMID: 25741868, with internal and published modifications).

NM_001366722.1(GRIP1):c.1791A>G (p.Gly597=)

Gene: GRIP1 (glutamate receptor interacting protein 1; minus strand). Cytogenetic location: 12q14.3.
Variant type: single nucleotide variant.
Coding change: c.1791A>G on transcript NM_001366722.1 (MANE Select); coding-DNA position 1791, A replaced by G.
Protein change: p.Gly597=; no amino-acid change (glycine 597 retained).
Molecular consequence: synonymous variant.
Genome position (GRCh38, 1-based): chr12:66,420,767, T>C on the plus strand (A>G on the coding strand, the complement: GRIP1 is on the minus strand). VCF-style: chr12-66420767-T-C. GRCh37 (hg19) VCF-style: chr12-66814547-T-C.
Other names: c.1635A>G, p.Gly545= (NM_001178074.2, NM_021150.4); c.1710A>G, p.Gly570= (NM_001366723.1); c.1713A>G, p.Gly571= (NM_001366724.1).
Identifiers: ClinVar variation 714266 (VCV000714266.9), dbSNP rs768730046, ClinGen allele CA6674282.